The following is an entry in ClinVar:

NM_003076.5(SMARCD1):c.740A>G (p.Asp247Gly)

Gene: SMARCD1 (SWI/SNF related BAF chromatin remodeling complex subunit D1; plus strand). Cytogenetic location: 12q13.12.
Variant type: single nucleotide variant.
Coding change: c.740A>G on transcript NM_003076.5 (MANE Select); coding-DNA position 740, A replaced by G.
Protein change: p.Asp247Gly; replaces aspartic acid 247 with glycine.
Molecular consequence: missense variant.
Genome position (GRCh38, 1-based): chr12:50,088,606, A>G. VCF-style: chr12-50088606-A-G. GRCh37 (hg19) VCF-style: chr12-50482389-A-G.
Other names: c.740A>G, p.Asp247Gly (NM_139071.3); short protein forms D247G.
Identifiers: ClinVar variation 2577611 (VCV002577611.3), dbSNP rs2539492760, ClinGen allele CA384787766.

ClinVar aggregate classification (germline): Uncertain significance. Review status: criteria provided, multiple submitters, no conflicts (2 of 4 stars). 3 submissions from 3 submitters: Uncertain significance (3). Last evaluated 2026-03-05.

Conditions:
Inborn genetic diseases. Identifiers: MedGen C0950123, MeSH D030342.

Submissions (3):

GeneDx
Classification: Uncertain significance. Last evaluated: 2026-03-05. Review status: criteria provided, single submitter. Criteria: GeneDx Variant Classification Process June 2021. Collection method: clinical testing. Allele origin: germline.
Comment: Not observed at significant frequency in large population cohorts (gnomAD); In silico analysis supports that this missense variant has a deleterious effect on protein structure/function; Has not been previously published as pathogenic or benign to our knowledge

Blueprint Genetics
Classification: Uncertain significance. Last evaluated: 2024-04-19. Review status: criteria provided, single submitter. Criteria: ACMG Guidelines, 2015. Collection method: clinical testing. Allele origin: germline.

Ambry Genetics
Classification: Uncertain significance for Inborn genetic diseases. Last evaluated: 2023-12-18. Review status: criteria provided, single submitter. Criteria: Ambry Variant Classification Scheme 2023. Collection method: clinical testing. Allele origin: germline.